The following is an entry in ClinVar:

NM_005228.5(EGFR):c.21C>T (p.Ala7=)

Gene: EGFR (epidermal growth factor receptor; plus strand). Cytogenetic location: 7p11.2.
Variant type: single nucleotide variant.
Coding change: c.21C>T on transcript NM_005228.5 (MANE Select); coding-DNA position 21, C replaced by T.
Protein change: p.Ala7=; no amino-acid change (alanine 7 retained).
Molecular consequence: synonymous variant.
Genome position (GRCh38, 1-based): chr7:55,019,298, C>T. VCF-style: chr7-55019298-C-T. GRCh37 (hg19) VCF-style: chr7-55086991-C-T.
Other names: c.21C>T (NM_005228.3); c.21C>T, p.Ala7= (NM_001346897.2, NM_001346898.2, NM_001346899.2 and 4 more transcripts).
Identifiers: ClinVar variation 1130264 (VCV001130264.33), dbSNP rs369581368, ClinGen allele CA159566180.
Genomic context (GRCh38, chr7:55,019,298, plus strand): 5'-TTGATCGGGAGAGCCGGAGCGAGCTCTTCGGGGAGCAGCGATGCGACCCTCCGGGACGGC[C>T]GGGGCAGCGCTCCTGGCGCTGCTGGCTGCGCTCTGCCCGGCGAGTCGGGCTCTGGAGGAA-3'
Protein context (NP_005219.2, residues 1-17): MRPSGT[Ala7=]GAALLALLAA

ClinVar aggregate classification (germline): Likely benign. Review status: criteria provided, multiple submitters, no conflicts (2 of 4 stars). 3 submissions from 3 submitters: Likely benign (3). Last evaluated 2025-11-03.

Conditions:
EGFR-related lung cancer (EGFR). Identifiers: MedGen CN130014.
Hereditary cancer-predisposing syndrome. Also called: Tumor predisposition; Hereditary neoplastic syndrome; Hereditary Cancer Syndrome; Neoplastic Syndromes, Hereditary. Identifiers: Orphanet 140162, MedGen C0027672, MeSH D009386, MONDO:0015356.

Allele frequency attached by ClinVar (database versions not stated): gnomAD exomes below 0.00001 and 0.00003; gnomAD 0.00002; TOPMed 0.00002; ESP Exome Variant Server 0.00008.
gnomAD v4.1: 9 of 1,511,580 alleles (0.0006%); highest among the groups gnomAD compares: South Asian, 0.0012%; no homozygotes.

Submissions (3):

Labcorp Genetics (formerly Invitae), Labcorp
Classification: Likely benign for EGFR-related lung cancer. Last evaluated: 2025-11-03. Review status: criteria provided, single submitter. Criteria: Invitae Variant Classification Sherloc (09022015). Collection method: clinical testing. Allele origin: germline.

Ambry Genetics
Classification: Likely benign for Hereditary cancer-predisposing syndrome. Last evaluated: 2025-01-03. Review status: criteria provided, single submitter. Criteria: Ambry Variant Classification Scheme 2023. Collection method: clinical testing. Allele origin: germline.

CeGaT Center for Human Genetics Tuebingen
Classification: Likely benign. Last evaluated: 2024-12-01. Review status: criteria provided, single submitter. Criteria: CeGaT Center For Human Genetics Tuebingen Variant Classification Criteria Version 2. Collection method: clinical testing. Allele origin: germline. Affected: yes. Observed: 3 variant alleles.
Comment: EGFR: BP4, BP7